The following is an entry in ClinVar:

NM_006939.4(SOS2):c.1934+85_1934+88del

Gene: SOS2 (SOS Ras/Rho guanine nucleotide exchange factor 2; minus strand). Cytogenetic location: 14q21.3.
Variant type: Deletion.
Coding change: c.1934+85_1934+88del on transcript NM_006939.4 (MANE Select); bases 85 to 88 of the intron after coding-DNA position 1934, 4 bases deleted (CTCA; older notation c.1934+85_1934+88delCTCA).
Molecular consequence: intron variant.
Genome position (GRCh38, 1-based): chr14:50,158,477-50,158,480, TGAG deleted on the plus strand (CTCA on the coding strand, the reverse complement: SOS2 is on the minus strand); deleting any 4 consecutive bases within chr14:50,158,477-50,158,481 gives the same sequence; the c. name uses the placement nearest the transcript's 3' end. VCF-style (leftmost placement, unchanged base first): chr14-50158476-TTGAG-T. GRCh37 (hg19) VCF-style: chr14-50625194-TTGAG-T.
Other names: c.1934+85_1934+88delCTCA (NM_006939.2).
Identifiers: ClinVar variation 561632 (VCV000561632.1), dbSNP rs201762253, ClinGen allele CA260735163.
Genomic context (GRCh38, chr14:50,158,476, plus strand): 5'-TTTGAAGAGAATAGTAATACTGCCAATTTAATGCCAAATAAAATATGTTCAATAATTAAC[TTGAG>T]TATTTATTAGGTACTAGGCACTTTACAAAATACAGTTAATTTTTCACAAAATGTCAATAT-3'

ClinVar aggregate classification (germline): Likely benign (1 of 4 stars; one submission).

Submission:

GeneDx
Classification: Likely benign. Last evaluated: 2018-06-14. Review status: criteria provided, single submitter. Criteria: GeneDx Variant Classification (06012015). Collection method: clinical testing. Allele origin: germline. Affected: yes.
Comment: This variant is considered likely benign or benign based on one or more of the following criteria: it is a conservative change, it occurs at a poorly conserved position in the protein, it is predicted to be benign by multiple in silico algorithms, and/or has population frequency not consistent with disease.